The following is an entry in ClinVar:

NM_000044.6(AR):c.1616+1_1616+2dup

Gene: AR (androgen receptor; plus strand). Cytogenetic location: Xq12.
Variant type: Duplication.
Coding change: c.1616+1_1616+2dup on transcript NM_000044.6 (MANE Select); the canonical splice donor site of the intron after coding-DNA position 1616, 2 bases duplicated (GT; older notation c.1616+1_1616+2dupGT).
Molecular consequence: splice donor variant.
Genome position (GRCh38, 1-based): chrX:67,546,763-67,546,764, GT duplicated. VCF-style (leftmost placement, unchanged base first): chrX-67546762-G-GGT. GRCh37 (hg19) VCF-style: chrX-66766604-G-GGT.
Other names: c.-168+1_-168+2dup (NM_001011645.3); c.1616+1_1616+2dup (NM_001348061.1, NM_001348064.1, NM_001348063.1).
Identifiers: ClinVar variation 3046291 (VCV003046291.2), dbSNP rs2519612537, ClinGen allele CA2740092171.

ClinVar aggregate classification (germline): Likely pathogenic (0 of 4 stars; one submission).

Conditions:
AR-related disorder. Also called: AR-related condition.

Submission:

PreventionGenetics, part of Exact Sciences
Classification: Likely pathogenic for AR-related condition. Last evaluated: 2023-12-27. Review status: no assertion criteria provided. Collection method: clinical testing. Allele origin: germline.
Comment: The AR c.1616+1_1616+2dupGT variant is predicted to result in an intronic duplication. To our knowledge, this variant has not been reported in the literature or in a large population database, indicating this variant is rare. Variants that disrupts the consensus GT donor site in AR is expected to be pathogenic. This variant is interpreted as likely pathogenic.